The following is an entry in ClinVar:

NM_005045.4(RELN):c.6107C>T (p.Ala2036Val)

Gene: RELN (reelin; minus strand). Cytogenetic location: 7q22.1.
Variant type: single nucleotide variant.
Coding change: c.6107C>T on transcript NM_005045.4 (MANE Select); coding-DNA position 6107, C replaced by T.
Protein change: p.Ala2036Val; replaces alanine 2036 with valine.
Molecular consequence: missense variant.
Genome position (GRCh38, 1-based): chr7:103,551,262, G>A on the plus strand (C>T on the coding strand, the complement: RELN is on the minus strand). VCF-style: chr7-103551262-G-A. GRCh37 (hg19) VCF-style: chr7-103191709-G-A.
Other names: c.6107C>T, p.Ala2036Val (NM_173054.3); short protein forms A2036V.
Identifiers: ClinVar variation 1403443 (VCV001403443.8), dbSNP rs368438329, ClinGen allele CA4421023.

ClinVar aggregate classification (germline): Uncertain significance (1 of 4 stars; one submission).

Conditions:
Norman-Roberts syndrome (LIS2). Also called: Lissencephaly 2 (Norman-Roberts type). Identifiers: Orphanet 89844, MedGen C0796089, MONDO:0009760, OMIM 257320.
Familial temporal lobe epilepsy 7. Identifiers: Orphanet 101046, MedGen C4225327, MONDO:0014639, OMIM 616436.

Allele frequency attached by ClinVar (database versions not stated): gnomAD exomes below 0.00001 and 0.00001; ExAC 0.00001; gnomAD 0.00001; ESP Exome Variant Server 0.00008.
gnomAD v4.1: 7 of 1,613,802 alleles (0.00043%); highest among the groups gnomAD compares: Admixed American, 0.0033%; no homozygotes.

Submission:

Labcorp Genetics (formerly Invitae), Labcorp
Classification: Uncertain significance for Familial temporal lobe epilepsy 7; Norman-Roberts syndrome. Last evaluated: 2025-10-27. Review status: criteria provided, single submitter. Criteria: Invitae Variant Classification Sherloc (09022015). Collection method: clinical testing. Allele origin: germline.
Comment: This sequence change replaces alanine, which is neutral and non-polar, with valine, which is neutral and non-polar, at codon 2036 of the RELN protein (p.Ala2036Val). This variant is present in population databases (rs368438329, gnomAD 0.003%). This variant has not been reported in the literature in individuals affected with RELN-related conditions. ClinVar contains an entry for this variant (Variation ID: 1403443). Invitae Evidence Modeling of protein sequence and biophysical properties (such as structural, functional, and spatial information, amino acid conservation, physicochemical variation, residue mobility, and thermodynamic stability) indicates that this missense variant is not expected to disrupt RELN protein function with a negative predictive value of 80%. In summary, the available evidence is currently insufficient to determine the role of this variant in disease. Therefore, it has been classified as a Variant of Uncertain Significance.